The following is an entry in ClinVar:

ClinVar aggregate classification (germline): Likely benign (1 of 4 stars; one submission).

Conditions:
Papillary renal cell carcinoma type 1 (RCCP1). Also called: Renal adenocarcinoma; Renal cell carcinoma 1; Renal cell carcinoma, somatic; RENAL CELL CARCINOMA, PAPILLARY, 1, SOMATIC. Identifiers: Orphanet 47044, MedGen C1336839, OMIM 605074, HP:0011797.

Submission:

Myriad Genetics, Inc.
Classification: Likely benign for Papillary renal cell carcinoma type 1. Last evaluated: 2024-11-14. Review status: criteria provided, single submitter. Criteria: Myriad Autosomal Dominant, Autosomal Recessive and X-Linked Classification Criteria (2023). Collection method: clinical testing. Allele origin: unknown.
Comment: This variant is considered likely benign. This variant is intronic and is not expected to impact mRNA splicing.

NM_000245.4(MET):c.3799-9T>C

Gene: MET (MET proto-oncogene, receptor tyrosine kinase; plus strand). Cytogenetic location: 7q31.2.
Variant type: single nucleotide variant.
Coding change: c.3799-9T>C on transcript NM_000245.4 (MANE Select); 9 bases into the intron before coding-DNA position 3799, T replaced by C.
Molecular consequence: intron variant.
Genome position (GRCh38, 1-based): chr7:116,795,646, T>C. VCF-style: chr7-116795646-T-C. GRCh37 (hg19) VCF-style: chr7-116435700-T-C.
Other names: c.3853-9T>C (NM_001127500.3); c.2509-9T>C (NM_001324402.2).
Identifiers: ClinVar variation 3773130 (VCV003773130.1).